The following is an entry in ClinVar:

ClinVar aggregate classification (germline): Uncertain significance (1 of 4 stars; one submission).

Allele frequency attached by ClinVar (database versions not stated): gnomAD exomes below 0.00001; TOPMed below 0.00001.
gnomAD v4.1: 4 of 1,610,766 alleles (0.00025%); highest among the groups gnomAD compares: Non-Finnish European, 0.00025%; no homozygotes.

Submission:

Labcorp Genetics (formerly Invitae), Labcorp
Classification: Uncertain significance. Last evaluated: 2022-08-01. Review status: criteria provided, single submitter. Criteria: Invitae Variant Classification Sherloc (09022015). Collection method: clinical testing. Allele origin: germline.
Comment: Experimental studies and prediction algorithms are not available or were not evaluated, and the functional significance of this variant is currently unknown. This sequence change replaces valine, which is neutral and non-polar, with isoleucine, which is neutral and non-polar, at codon 498 of the COL18A1 protein (p.Val498Ile). This variant is not present in population databases (gnomAD no frequency). This variant has not been reported in the literature in individuals affected with COL18A1-related conditions. In summary, the available evidence is currently insufficient to determine the role of this variant in disease. Therefore, it has been classified as a Variant of Uncertain Significance.

NM_001379500.1(COL18A1):c.1492G>A (p.Val498Ile)

Gene: COL18A1 (collagen type XVIII alpha 1 chain; plus strand). Cytogenetic location: 21q22.3.
Variant type: single nucleotide variant.
Coding change: c.1492G>A on transcript NM_001379500.1 (MANE Select); coding-DNA position 1492, G replaced by A.
Protein change: p.Val498Ile; replaces valine 498 with isoleucine.
Molecular consequence: missense variant.
Genome position (GRCh38, 1-based): chr21:45,480,739, G>A. VCF-style: chr21-45480739-G-A. GRCh37 (hg19) VCF-style: chr21-46900653-G-A.
Other names: c.2032G>A, p.Val678Ile (NM_030582.4); c.2737G>A, p.Val913Ile (NM_130444.3); short protein forms V498I, V678I, V913I.
Identifiers: ClinVar variation 2134446 (VCV002134446.4), dbSNP rs2035862893, ClinGen allele CA410517667.